The following is an entry in ClinVar:

NM_001161352.2(KCNMA1):c.1619G>A (p.Trp540Ter)

Gene: KCNMA1 (potassium calcium-activated channel subfamily M alpha 1; minus strand). Cytogenetic location: 10q22.3.
Variant type: single nucleotide variant.
Coding change: c.1619G>A on transcript NM_001161352.2 (MANE Select); coding-DNA position 1619, G replaced by A.
Protein change: p.Trp540Ter; replaces tryptophan 540 with a stop codon.
Molecular consequence: nonsense.
Genome position (GRCh38, 1-based): chr10:77,073,227, C>T on the plus strand (G>A on the coding strand, the complement: KCNMA1 is on the minus strand). VCF-style: chr10-77073227-C-T. GRCh37 (hg19) VCF-style: chr10-78832985-C-T.
Other names: c.1619G>A, p.Trp540Ter (NM_001014797.3, NM_001161353.2, NM_001271519.2 and 8 more transcripts); c.1457G>A, p.Trp486Ter (NM_001271518.2); c.1079G>A, p.Trp360Ter (NM_001322838.2); short protein forms W360*, W486*, W540*.
Identifiers: ClinVar variation 3602210 (VCV003602210.1).

ClinVar aggregate classification (germline): Likely pathogenic (1 of 4 stars; one submission).

Submission:

GeneDx
Classification: Likely pathogenic. Last evaluated: 2024-08-01. Review status: criteria provided, single submitter. Criteria: GeneDx Variant Classification Process June 2021. Collection method: clinical testing. Allele origin: germline. Affected: yes.
Comment: Nonsense variant predicted to result in protein truncation or nonsense mediated decay in a gene for which loss of function is a known mechanism of disease; Not observed at significant frequency in large population cohorts (gnomAD); Has not been previously published as pathogenic or benign to our knowledge